The following is an entry in ClinVar:

ClinVar aggregate classification (germline): Likely pathogenic (1 of 4 stars; one submission).

Submission:

GeneDx
Classification: Likely pathogenic. Last evaluated: 2026-01-12. Review status: criteria provided, single submitter. Criteria: GeneDx Variant Classification Process June 2021. Collection method: clinical testing. Allele origin: germline.
Comment: This substitution is predicted to be within the C-terminal cytoplasmic domain; Not observed at significant frequency in large population cohorts (gnomAD); In silico analysis supports that this missense variant has a deleterious effect on protein structure/function; This variant is associated with the following publications: (PMID: 28664031)

NM_001165963.4(SCN1A):c.5596G>A (p.Asp1866Asn)

Genes: SCN1A (sodium voltage-gated channel alpha subunit 1; minus strand), LOC102724058 (uncharacterized LOC102724058; plus strand). Cytogenetic location: 2q24.3.
Variant type: single nucleotide variant.
Coding change: c.5596G>A on transcript NM_001165963.4 (MANE Select); coding-DNA position 5596, G replaced by A.
Protein change: p.Asp1866Asn; replaces aspartic acid 1866 with asparagine.
Molecular consequence: missense variant. On other transcripts: non-coding transcript variant (1).
Genome position (GRCh38, 1-based): chr2:165,991,679, C>T on the plus strand (G>A on the coding strand, the complement: SCN1A is on the minus strand). VCF-style: chr2-165991679-C-T. GRCh37 (hg19) VCF-style: chr2-166848189-C-T.
Other names: c.5512G>A, p.Asp1838Asn (NM_001165964.3, NM_001353957.2, NM_001353958.2); c.5596G>A, p.Asp1866Asn (NM_001202435.3, NM_001353948.2); c.5563G>A, p.Asp1855Asn (NM_001353949.2, NM_001353950.2, NM_001353951.2 and 2 more transcripts); c.5560G>A, p.Asp1854Asn (NM_001353954.2, NM_001353955.2); c.5509G>A, p.Asp1837Asn (NM_001353960.2); c.3154G>A, p.Asp1052Asn (NM_001353961.2); short protein forms D1052N, D1837N, D1838N, D1854N, D1855N, D1866N.
Identifiers: ClinVar variation 4086494 (VCV004086494.2).